The following is an entry in ClinVar:

ClinVar aggregate classification (germline): Likely pathogenic (1 of 4 stars; one submission).

Conditions:
LAMA2-related muscular dystrophy (LAMA2-RD). Also called: Laminin alpha 2-related dystrophy. Identifiers: MedGen C5679788, MONDO:0100228.

Submission:

Labcorp Genetics (formerly Invitae), Labcorp
Classification: Likely pathogenic for LAMA2-related muscular dystrophy. Last evaluated: 2021-05-02. Review status: criteria provided, single submitter. Criteria: Invitae Variant Classification Sherloc (09022015). Collection method: clinical testing. Allele origin: germline.
Comment: Donor and acceptor splice site variants typically lead to a loss of protein function (PMID: 16199547), and loss-of-function variants in LAMA2 are known to be pathogenic (PMID: 18700894). In summary, the currently available evidence indicates that the variant is pathogenic, but additional data are needed to prove that conclusively. Therefore, this variant has been classified as Likely Pathogenic. This sequence change affects a donor splice site in intron 41 of the LAMA2 gene. It is expected to disrupt RNA splicing and likely results in an absent or disrupted protein product. This variant is not present in population databases (ExAC no frequency). This variant has not been reported in the literature in individuals with LAMA2-related conditions.

Literature cited by the submitters: PubMed 16199547; PubMed 18700894.

NM_000426.4(LAMA2):c.5968+1G>A

Gene: LAMA2 (laminin subunit alpha 2; plus strand). Cytogenetic location: 6q22.33.
Variant type: single nucleotide variant.
Coding change: c.5968+1G>A on transcript NM_000426.4 (MANE Select); the canonical splice donor site of the intron after coding-DNA position 5968, G replaced by A.
Molecular consequence: splice donor variant.
Genome position (GRCh38, 1-based): chr6:129,427,855, G>A. VCF-style: chr6-129427855-G-A. GRCh37 (hg19) VCF-style: chr6-129749000-G-A.
Other names: c.5968+1G>A (NM_001079823.2).
Identifiers: ClinVar variation 849878 (VCV000849878.8), dbSNP rs1207051921, ClinGen allele CA365624087.